The following is an entry in ClinVar:

ClinVar aggregate classification (germline): Uncertain significance (1 of 4 stars; one submission).

Conditions:
Werner syndrome (WRN). Identifiers: Orphanet 902, MedGen C0043119, MONDO:0010196, OMIM 277700.

Allele frequency attached by ClinVar (database versions not stated): gnomAD exomes below 0.00001 and 0.00001; ExAC 0.00002; 1000 Genomes Project 0.00020; 1000 Genomes Project 30x 0.00031.

Submission:

Labcorp Genetics (formerly Invitae), Labcorp
Classification: Uncertain significance for Werner syndrome. Last evaluated: 2025-03-03. Review status: criteria provided, single submitter. Criteria: Invitae Variant Classification Sherloc (09022015). Collection method: clinical testing. Allele origin: germline.
Comment: This sequence change replaces methionine, which is neutral and non-polar, with leucine, which is neutral and non-polar, at codon 1130 of the WRN protein (p.Met1130Leu). This variant is present in population databases (rs532384887, gnomAD 0.003%). This variant has not been reported in the literature in individuals affected with WRN-related conditions. ClinVar contains an entry for this variant (Variation ID: 1418730). An algorithm developed to predict the effect of missense changes on protein structure and function (PolyPhen-2) suggests that this variant is likely to be tolerated. In summary, the available evidence is currently insufficient to determine the role of this variant in disease. Therefore, it has been classified as a Variant of Uncertain Significance.

NM_000553.6(WRN):c.3388A>T (p.Met1130Leu)

Gene: WRN (WRN RecQ like helicase; plus strand). Cytogenetic location: 8p12.
Variant type: single nucleotide variant.
Coding change: c.3388A>T on transcript NM_000553.6 (MANE Select); coding-DNA position 3388, A replaced by T.
Protein change: p.Met1130Leu; replaces methionine 1130 with leucine.
Molecular consequence: missense variant.
Genome position (GRCh38, 1-based): chr8:31,147,057, A>T. VCF-style: chr8-31147057-A-T. GRCh37 (hg19) VCF-style: chr8-31004573-A-T.
Other names: short protein forms M1130L.
Identifiers: ClinVar variation 1418730 (VCV001418730.6), dbSNP rs532384887, ClinGen allele CA4705052.